The following is an entry in ClinVar:

ClinVar aggregate classification (germline): Uncertain significance (1 of 4 stars; one submission).

Conditions:
Ullrich congenital muscular dystrophy 2 (UCMD2). Identifiers: Orphanet 75840, MedGen C4225314, MONDO:0014654, OMIM 616470.
Bethlem myopathy 2 (BTHLM2). Identifiers: Orphanet 536516, Orphanet 610, MedGen C4225313, MONDO:0034022, OMIM 616471.

Allele frequency attached by ClinVar (database versions not stated): gnomAD exomes below 0.00001 and 0.00001.
gnomAD v4.1: 5 of 1,614,028 alleles (0.00031%); highest among the groups gnomAD compares: South Asian, 0.0022%; no homozygotes.

Submission:

Labcorp Genetics (formerly Invitae), Labcorp
Classification: Uncertain significance for Bethlem myopathy 2; Ullrich congenital muscular dystrophy 2. Last evaluated: 2024-12-19. Review status: criteria provided, single submitter. Criteria: Invitae Variant Classification Sherloc (09022015). Collection method: clinical testing. Allele origin: germline.
Comment: This sequence change replaces proline, which is neutral and non-polar, with serine, which is neutral and polar, at codon 1729 of the COL12A1 protein (p.Pro1729Ser). The frequency data for this variant in the population databases is considered unreliable, as metrics indicate poor data quality at this position in the gnomAD database. This variant has not been reported in the literature in individuals affected with COL12A1-related conditions. ClinVar contains an entry for this variant (Variation ID: 1384298). Invitae Evidence Modeling of protein sequence and biophysical properties (such as structural, functional, and spatial information, amino acid conservation, physicochemical variation, residue mobility, and thermodynamic stability) has been performed for this missense variant. However, the output from this modeling did not meet the statistical confidence thresholds required to predict the impact of this variant on COL12A1 protein function. In summary, the available evidence is currently insufficient to determine the role of this variant in disease. Therefore, it has been classified as a Variant of Uncertain Significance.

NM_004370.6(COL12A1):c.5185C>T (p.Pro1729Ser)

Gene: COL12A1 (collagen type XII alpha 1 chain; minus strand). Cytogenetic location: 6q13.
Variant type: single nucleotide variant.
Coding change: c.5185C>T on transcript NM_004370.6 (MANE Select); coding-DNA position 5185, C replaced by T.
Protein change: p.Pro1729Ser; replaces proline 1729 with serine.
Molecular consequence: missense variant.
Genome position (GRCh38, 1-based): chr6:75,138,493, G>A on the plus strand (C>T on the coding strand, the complement: COL12A1 is on the minus strand). VCF-style: chr6-75138493-G-A. GRCh37 (hg19) VCF-style: chr6-75848209-G-A.
Other names: c.1693C>T, p.Pro565Ser (NM_080645.3); short protein forms P1729S, P565S.
Identifiers: ClinVar variation 1384298 (VCV001384298.6), dbSNP rs1329724602, ClinGen allele CA364738848.
Genomic context (GRCh38, chr6:75,138,493, plus strand): 5'-AAGCTAAACACCTACGTGTGCGCTCACTGCCAATCAGGTCATCACTTTCTGACTCATCAG[G>A]ATAGATGGCAGTAATGGAAACTTCATAGATGGTGTTGGGGTTCAGGTTTTCGAACACCAA-3'
Protein context (NP_004361.3, residues 1719-1739): IYEVSITAIY[Pro1729Ser]DESESDDLIG